The following is an entry in ClinVar:

ClinVar aggregate classification (germline): Pathogenic. Review status: criteria provided, multiple submitters, no conflicts (2 of 4 stars). 7 submissions from 7 submitters: Pathogenic (7). Last evaluated 2026-01-28.

Conditions:
USH2A-related disorder. Also called: USH2A-related disorders; USH2A-related condition. Identifiers: MedGen CN239332.
Retinitis pigmentosa 39 (RP39). Identifiers: Orphanet 791, MedGen C3151138, MONDO:0013436, OMIM 613809.
Usher syndrome type 2A. Also called: USHER SYNDROME, TYPE IIA; RETINAL DISEASE IN USHER SYNDROME TYPE IIA, MODIFIER OF. Identifiers: Orphanet 231178, Orphanet 886, MedGen C1848634, MONDO:0010169, OMIM 276901.
Usher syndrome type 2. Also called: Usher Syndrome Type II. Identifiers: Orphanet 231178, MedGen C0339534, MONDO:0016484.

Submissions (7):

Natera, Inc.
Classification: Pathogenic for Usher syndrome type 2A. Last evaluated: 2026-01-28. Review status: criteria provided, single submitter. Criteria: Natera Variant Classification Schema (03/2026). Collection method: clinical testing. Allele origin: germline.
Comment: The c.12333dupT variant in USH2A is a frameshift variant predicted to shift the reading frame beginning at codon 4112 and leads to a stop codon 41 codons downstream. This variant is expected to result in nonsense mediated decay, truncation, or a dysfunctional protein product. This variant is rare in the general population with a frequency below the threshold expected for the associated phenotype(s). This variant has been observed in one or more individuals affected with the associated recessive disease, as either homozygous or compound heterozygous with a second variant (PMID: 32531858). Given the available evidence, this variant is classified as Pathogenic.

3billion
Classification: Pathogenic for USH2A-related disorder. Last evaluated: 2025-07-03. Review status: criteria provided, single submitter. Criteria: ACMG Guidelines, 2015. Collection method: clinical testing. Allele origin: germline. Affected: yes.
Comment: The variant is not observed in the gnomAD v4.1.0 dataset. Predicted Consequence/Location: Frameshift: predicted to result in a loss or disruption of normal protein function through nonsense-mediated decay (NMD) or protein truncation. Multiple pathogenic variants are reported downstream of the variant. The variant has been reported at least twice as pathogenic with clinical assertions and evidence for the classification (ClinVar ID: VCV000813108 /PMID: 32531858). Therefore, this variant is classified as Pathogenic according to the recommendation of ACMG/AMP guideline.

Genome-Nilou Lab
Classification: Pathogenic for Retinitis pigmentosa 39. Last evaluated: 2023-11-04. Review status: criteria provided, single submitter. Criteria: ACMG Guidelines, 2015. Collection method: clinical testing. Allele origin: germline. Affected: no.

Baylor Genetics
Classification: Pathogenic for Retinitis pigmentosa 39. Last evaluated: 2023-08-24. Review status: criteria provided, single submitter. Criteria: ACMG Guidelines, 2015. Collection method: clinical testing. Allele origin: unknown.

Blueprint Genetics
Classification: Pathogenic for USH2A-related disorders. Last evaluated: 2023-01-23. Review status: criteria provided, single submitter. Criteria: ACMG Guidelines, 2015. Collection method: clinical testing. Allele origin: germline. Affected: yes. Observed: 1 variant allele.

Labcorp Genetics (formerly Invitae), Labcorp
Classification: Pathogenic. Last evaluated: 2022-11-03. Review status: criteria provided, single submitter. Criteria: Invitae Variant Classification Sherloc (09022015). Collection method: clinical testing. Allele origin: germline.
Comment: ClinVar contains an entry for this variant (Variation ID: 813108). This variant has not been reported in the literature in individuals affected with USH2A-related conditions. This variant is not present in population databases (gnomAD no frequency). This sequence change creates a premature translational stop signal (p.Gly4112Trpfs*41) in the USH2A gene. It is expected to result in an absent or disrupted protein product. Loss-of-function variants in USH2A are known to be pathogenic (PMID: 10729113, 10909849, 20507924, 25649381). For these reasons, this variant has been classified as Pathogenic.

Molecular Genetics Laboratory, Institute for Ophthalmic Research
Classification: Pathogenic for Usher syndrome type 2. Last evaluated: 2020-01-09. Review status: criteria provided, single submitter. Criteria: ACMG Guidelines, 2015. Collection method: research. Allele origin: germline. Affected: yes.

Literature cited by the submitters: PubMed 32531858 (cited by Natera, Inc. and 3billion); PubMed 10729113 (cited by Labcorp Genetics (formerly Invitae), Labcorp); PubMed 10909849 (cited by Labcorp Genetics (formerly Invitae), Labcorp); PubMed 20507924 (cited by Labcorp Genetics (formerly Invitae), Labcorp); PubMed 25649381 (cited by Labcorp Genetics (formerly Invitae), Labcorp).

NM_206933.4(USH2A):c.12333dup (p.Gly4112fs)

Gene: USH2A (usherin; minus strand). Cytogenetic location: 1q41.
Variant type: Duplication.
Coding change: c.12333dup on transcript NM_206933.4 (MANE Select); coding-DNA position 12333, one base duplicated (T; older notation c.12333dupT).
Protein change: p.Gly4112fs; shifts the reading frame from glycine 4112.
Molecular consequence: frameshift variant.
Genome position (GRCh38, 1-based): chr1:215,675,578, A duplicated on the plus strand (T on the coding strand, the reverse complement: USH2A is on the minus strand). VCF-style (leftmost placement, unchanged base first): chr1-215675577-C-CA. GRCh37 (hg19) VCF-style: chr1-215848919-C-CA.
Other names: c.12333dupT (NM_206933.2); short protein forms G4112fs.
Identifiers: ClinVar variation 813108 (VCV000813108.14), dbSNP rs1657996197, ClinGen allele CA916082116.